The following is an entry in ClinVar:

ClinVar aggregate classification (germline): Uncertain significance (1 of 4 stars; one submission).

Submission:

Women's Health and Genetics/Laboratory Corporation of America, LabCorp
Classification: Uncertain significance. Last evaluated: 2026-05-07. Review status: criteria provided, single submitter. Criteria: LabCorp Variant Classification Summary - May 2015. Collection method: clinical testing. Allele origin: germline.
Comment: Variant summary: SLC12A5 c.3116A>G (p.Glu1039Gly) results in a non-conservative amino acid change in the encoded protein sequence. Algorithms developed to predict the effect of missense changes on protein structure and function all suggest that this variant is likely to be disruptive. The variant was absent in 251434 control chromosomes. The available data on variant occurrences in the general population are insufficient to allow any conclusion about variant significance. To our knowledge, no occurrence of c.3116A>G in individuals affected with SLC12A5-related conditions and no experimental evidence demonstrating its impact on protein function have been reported. No submitters have cited clinical-significance assessments for this variant to ClinVar. Based on the evidence outlined above, the variant was classified as uncertain significance.

NM_020708.5(SLC12A5):c.3047A>G (p.Glu1016Gly)

Gene: SLC12A5 (solute carrier family 12 member 5; plus strand). Cytogenetic location: 20q13.12.
Variant type: single nucleotide variant.
Coding change: c.3047A>G on transcript NM_020708.5 (MANE Select); coding-DNA position 3047, A replaced by G.
Protein change: p.Glu1016Gly; replaces glutamic acid 1016 with glycine.
Molecular consequence: missense variant.
Genome position (GRCh38, 1-based): chr20:46,056,501, A>G. VCF-style: chr20-46056501-A-G. GRCh37 (hg19) VCF-style: chr20-44685140-A-G.
Other names: c.3116A>G, p.Glu1039Gly (NM_001134771.2); short protein forms E1016G, E1039G.
Identifiers: ClinVar variation 4853459 (VCV004853459.1).